The following is an entry in ClinVar:

ClinVar aggregate classification (germline): Uncertain significance (1 of 4 stars; one submission).

Conditions:
Gastrointestinal stromal tumor. Also called: Gastrointestinal stromal tumor, somatic; Gastrointestinal stroma tumor. Identifiers: Orphanet 44890, MedGen C0238198, MeSH D046152, MONDO:0011719, OMIM 606764, HP:0100723.

Submission:

Labcorp Genetics (formerly Invitae), Labcorp
Classification: Uncertain significance for Gastrointestinal stromal tumor. Last evaluated: 2025-01-31. Review status: criteria provided, single submitter. Criteria: Invitae Variant Classification Sherloc (09022015). Collection method: clinical testing. Allele origin: germline.
Comment: This sequence change falls in intron 3 of the KIT gene. It does not directly change the encoded amino acid sequence of the KIT protein. It affects a nucleotide within the consensus splice site. This variant is not present in population databases (gnomAD no frequency). This variant has not been reported in the literature in individuals affected with KIT-related conditions. Variants that disrupt the consensus splice site are a relatively common cause of aberrant splicing (PMID: 17576681, 9536098). Algorithms developed to predict the effect of sequence changes on RNA splicing suggest that this variant is not likely to affect RNA splicing. In summary, the available evidence is currently insufficient to determine the role of this variant in disease. Therefore, it has been classified as a Variant of Uncertain Significance.

Literature cited by the submitters: PubMed 17576681; PubMed 9536098.

NM_000222.3(KIT):c.619+6G>C

Gene: KIT (KIT proto-oncogene, receptor tyrosine kinase; plus strand). Cytogenetic location: 4q12.
Variant type: single nucleotide variant.
Coding change: c.619+6G>C on transcript NM_000222.3 (MANE Select); 6 bases into the intron after coding-DNA position 619, G replaced by C.
Molecular consequence: intron variant.
Genome position (GRCh38, 1-based): chr4:54,698,571, G>C. VCF-style: chr4-54698571-G-C. GRCh37 (hg19) VCF-style: chr4-55564737-G-C.
Other names: c.619+6G>C (NM_001385284.1, NM_001385290.1, NM_001385288.1 and 4 more transcripts).
Identifiers: ClinVar variation 4712097 (VCV004712097.1).
Genomic context (GRCh38, chr4:54,698,571, plus strand): 5'-GACCAGGAGGGCAAGTCAGTGCTGTCGGAAAAATTCATCCTGAAAGTGAGGCCAGGTACT[G>C]GCTCTTTCTTATCTGCCTCTGGGAGTTGAGAACTCACTTATCTAAAGAAGACTTCTCTTC-3'